The following is an entry in ClinVar:

ClinVar aggregate classification (germline): Pathogenic/Likely pathogenic. Review status: criteria provided, multiple submitters, no conflicts (2 of 4 stars). 7 submissions from 7 submitters: Pathogenic (4); Likely pathogenic (3). Last evaluated 2026-06-26.

Conditions:
Retinitis pigmentosa 25 (RP25). Identifiers: Orphanet 791, MedGen C1864446, MONDO:0011272, OMIM 602772.
EYS-related disorder. Also called: EYS-related condition.

Allele frequency attached by ClinVar (database versions not stated): TOPMed below 0.00001.

Submissions (7):

Myriad Genetics, Inc.
Classification: Likely pathogenic for Retinitis pigmentosa 25. Last evaluated: 2026-06-26. Review status: criteria provided, single submitter. Criteria: Myriad Autosomal Dominant, Autosomal Recessive and X-Linked Classification Criteria (2023). Collection method: clinical testing. Allele origin: unknown.
Comment: NM_001142800.1(EYS):c.2641+1G>A is a variant in a canonical splice site classified as likely pathogenic in the context of retinitis pigmentosa, EYS-related. c.2641+1G>A has been observed in a case with relevant disease (PMID: 34721897). Relevant functional assessments of this variant are not available in the literature. c.2641+1G>A has not been observed in referenced population frequency databases. . Please note: this variant was assessed in the context of healthy population screening.

PreventionGenetics, part of Exact Sciences
Classification: Pathogenic for EYS-related condition. Last evaluated: 2025-04-17. Review status: criteria provided, single submitter. Criteria: ACMG Guidelines, 2015. Collection method: clinical testing. Allele origin: germline.
Comment: The EYS c.2641+1G>A variant is predicted to disrupt the GT donor site and interfere with normal splicing. This variant has been reported in an individual with retinitis pigmentosa (Kim et al. 2021. PubMed ID: 33946315). This variant is absent in a large population database (gnomAD), indicating this variant is rare. Variants that disrupt the consensus splice donor site in EYS are an established mechanism of disease. This variant is interpreted as pathogenic.

Labcorp Genetics (formerly Invitae), Labcorp
Classification: Pathogenic. Last evaluated: 2025-03-17. Review status: criteria provided, single submitter. Criteria: Invitae Variant Classification Sherloc (09022015). Collection method: clinical testing. Allele origin: germline.
Comment: This sequence change affects a donor splice site in intron 16 of the EYS gene. It is expected to disrupt RNA splicing. Variants that disrupt the donor or acceptor splice site typically lead to a loss of protein function (PMID: 16199547), and loss-of-function variants in EYS are known to be pathogenic (PMID: 18836446, 20333770). This variant is not present in population databases (gnomAD no frequency). Disruption of this splice site has been observed in individuals with clinical features of retinitis pigmentosa (internal data). ClinVar contains an entry for this variant (Variation ID: 1436146). Algorithms developed to predict the effect of sequence changes on RNA splicing suggest that this variant may disrupt the consensus splice site. For these reasons, this variant has been classified as Pathogenic.

3billion
Classification: Pathogenic for Retinitis pigmentosa 25. Last evaluated: 2024-10-18. Review status: criteria provided, single submitter. Criteria: ACMG Guidelines, 2015. Collection method: clinical testing. Allele origin: germline. Affected: yes.
Comment: The variant is not observed in the gnomAD v4.1.0 dataset. Predicted Consequence/Location: Canonical splice site: predicted to alter splicing and result in a loss or disruption of normal protein function. Multiple pathogenic loss-of-function variants are reported downstream of the variant. The variant has been reported at least twice as pathogenic without evidence for the classification (ClinVar ID: VCV001436146 /PMID: 33946315 /3billion dataset). Therefore, this variant is classified as Pathogenic according to the recommendation of ACMG/AMP guideline.

Natera, Inc.
Classification: Likely pathogenic for Retinitis pigmentosa type 25. Last evaluated: 2024-09-26. Review status: criteria provided, single submitter. Criteria: Natera Variant Classification Schema (03/2026). Collection method: clinical testing. Allele origin: germline.
Comment: The c.2641+1G>A variant in EYS is a canonical splice donor site variant predicted to affect pre-mRNA splicing, which may result in an abnormal transcript and altered protein product. This variant is expected to result in nonsense mediated decay, truncation, or a dysfunctional protein product. This variant is rare in the general population with a frequency below the threshold expected for the associated phenotype(s). Given the available evidence, this variant is classified as Likely Pathogenic.

Baylor Genetics
Classification: Pathogenic for Retinitis pigmentosa 25. Last evaluated: 2023-09-04. Review status: criteria provided, single submitter. Criteria: ACMG Guidelines, 2015. Collection method: clinical testing. Allele origin: unknown.

Blueprint Genetics
Classification: Likely pathogenic for EYS-related disorders. Last evaluated: 2020-11-11. Review status: criteria provided, single submitter. Criteria: ACMG Guidelines, 2015. Collection method: clinical testing. Allele origin: germline. Affected: yes. Observed: 1 variant allele.

Literature cited by the submitters: PubMed 34721897 (cited by Myriad Genetics, Inc.); PubMed 16199547 (cited by Labcorp Genetics (formerly Invitae), Labcorp); PubMed 18836446 (cited by Labcorp Genetics (formerly Invitae), Labcorp); PubMed 20333770 (cited by Labcorp Genetics (formerly Invitae), Labcorp); PubMed 33946315 (cited by 3billion).

NM_001142800.2(EYS):c.2641+1G>A

Gene: EYS (EGF-like photoreceptor maintenance factor; minus strand). Cytogenetic location: 6q12.
Variant type: single nucleotide variant.
Coding change: c.2641+1G>A on transcript NM_001142800.2 (MANE Select); the canonical splice donor site of the intron after coding-DNA position 2641, G replaced by A.
Molecular consequence: splice donor variant.
Genome position (GRCh38, 1-based): chr6:64,912,483, C>T on the plus strand (G>A on the coding strand, the complement: EYS is on the minus strand). VCF-style: chr6-64912483-C-T. GRCh37 (hg19) VCF-style: chr6-65622376-C-T.
Other names: c.2641+1G>A (NM_001142800.1, NM_001292009.2).
Identifiers: ClinVar variation 1436146 (VCV001436146.11), dbSNP rs1768029728, ClinGen allele CA364786055.